The following is an entry in ClinVar:

NM_001378454.1(ALMS1):c.4002C>G (p.Tyr1334Ter)

Gene: ALMS1 (ALMS1 centrosome and basal body associated protein; plus strand). Cytogenetic location: 2p13.1.
Variant type: single nucleotide variant.
Coding change: c.4002C>G on transcript NM_001378454.1 (MANE Select); coding-DNA position 4002, C replaced by G.
Protein change: p.Tyr1334Ter; replaces tyrosine 1334 with a stop codon.
Molecular consequence: nonsense.
Genome position (GRCh38, 1-based): chr2:73,450,529, C>G. VCF-style: chr2-73450529-C-G. GRCh37 (hg19) VCF-style: chr2-73677656-C-G.
Other names: c.4005C>G, p.Tyr1335Ter (NM_015120.4); short protein forms Y1334*, Y1335*.
Identifiers: ClinVar variation 1190683 (VCV001190683.7), dbSNP rs2103780942, ClinGen allele CA347277254.

ClinVar aggregate classification (germline): Pathogenic/Likely pathogenic. Review status: criteria provided, multiple submitters, no conflicts (2 of 4 stars). 3 submissions from 3 submitters: Pathogenic (1); Likely pathogenic (1). 1 of the submissions does not count toward it. Last evaluated 2024-07-05.

Conditions:
Alstrom syndrome (ALMS). Identifiers: Orphanet 64, MedGen C0268425, MONDO:0008763, OMIM 203800.

Submissions (3):

GeneDx
Classification: Likely pathogenic. Last evaluated: 2024-07-05. Review status: criteria provided, single submitter. Criteria: GeneDx Variant Classification Process June 2021. Collection method: clinical testing. Allele origin: germline. Affected: yes.
Comment: Has not been previously published as pathogenic or benign to our knowledge; Not observed at significant frequency in large population cohorts (gnomAD); Nonsense variant predicted to result in protein truncation or nonsense mediated decay in a gene for which loss of function is a known mechanism of disease

Labcorp Genetics (formerly Invitae), Labcorp
Classification: Pathogenic for Alstrom syndrome. Last evaluated: 2024-05-01. Review status: criteria provided, single submitter. Criteria: Invitae Variant Classification Sherloc (09022015). Collection method: clinical testing. Allele origin: germline.
Comment: This sequence change creates a premature translational stop signal (p.Tyr1335*) in the ALMS1 gene. It is expected to result in an absent or disrupted protein product. Loss-of-function variants in ALMS1 are known to be pathogenic (PMID: 17594715). This variant is not present in population databases (gnomAD no frequency). This variant has not been reported in the literature in individuals affected with ALMS1-related conditions. ClinVar contains an entry for this variant (Variation ID: 1190683). For these reasons, this variant has been classified as Pathogenic.

Natera, Inc.
Classification: Likely pathogenic for Alstrom syndrome. Last evaluated: 2021-08-24. Review status: no assertion criteria provided. Collection method: clinical testing. Allele origin: germline. Not counted in ClinVar's aggregate classification.

Literature cited by the submitters: PubMed 17594715 (cited by Labcorp Genetics (formerly Invitae), Labcorp).